The following is an entry in ClinVar:

NC_000013.10:g.(?_23667335)_(23985378_?)del

Genes: SACS (sacsin molecular chaperone; minus strand), SGCG (sarcoglycan gamma; plus strand). Cytogenetic location: 13q12.12.
Variant type: Deletion.
Identifiers: ClinVar variation 3244136 (VCV003244136.1).

ClinVar aggregate classification (germline): Pathogenic (1 of 4 stars; one submission).

Conditions:
Spastic paraplegia. Identifiers: MedGen C0037772, HP:0001258.

Submission:

Labcorp Genetics (formerly Invitae), Labcorp
Classification: Pathogenic for Spastic paraplegia. Last evaluated: 2024-01-16. Review status: criteria provided, single submitter. Criteria: Invitae Variant Classification Sherloc (09022015). Collection method: clinical testing. Allele origin: unknown.
Comment: A gross deletion of the genomic region encompassing the full coding sequence of the SACS gene has been identified. Loss-of-function variants in SACS are known to be pathogenic (PMID: 18465152, 20876471). The boundaries of this event are unknown as they extend beyond the assayed region for this gene and therefore may encompass additional genes. Isolated whole-gene deletions of SACS have not been reported in the literature. However, larger copy number events that include this gene have been reported (PMID: 18398442, 19031088, 24180463). For these reasons, this variant has been classified as Pathogenic.

Literature cited by the submitters: PubMed 18465152; PubMed 20876471; PubMed 18398442; PubMed 19031088; PubMed 24180463.